The following is an entry in ClinVar:

NM_018941.4(CLN8):c.619C>G (p.Leu207Val)

Gene: CLN8 (CLN8 transmembrane ER and ERGIC protein; plus strand). Cytogenetic location: 8p23.3.
Variant type: single nucleotide variant.
Coding change: c.619C>G on transcript NM_018941.4 (MANE Select); coding-DNA position 619, C replaced by G.
Protein change: p.Leu207Val; replaces leucine 207 with valine.
Molecular consequence: missense variant.
Genome position (GRCh38, 1-based): chr8:1,780,325, C>G. VCF-style: chr8-1780325-C-G. GRCh37 (hg19) VCF-style: chr8-1728491-C-G.
Other names: short protein forms L207V.
Identifiers: ClinVar variation 451285 (VCV000451285.14), dbSNP rs151334741, ClinGen allele CA4599322.

ClinVar aggregate classification (germline): Uncertain significance. Review status: criteria provided, multiple submitters, no conflicts (2 of 4 stars). 5 submissions from 5 submitters: Uncertain significance (4). 1 of the submissions does not count toward it. Last evaluated 2026-04-16.

Conditions:
Inborn genetic diseases. Identifiers: MedGen C0950123, MeSH D030342.
Neuronal ceroid lipofuscinosis. Also called: Neuronal Ceroid Lipofuscinoses. Identifiers: Orphanet 216, Orphanet 79263, MedGen C0027877, MONDO:0016295. Disease mechanism: loss of function.
Neuronal ceroid lipofuscinosis 8 northern epilepsy variant. Also called: NORTHERN EPILEPSY; EPILEPSY, PROGRESSIVE, WITH MENTAL RETARDATION. Identifiers: Orphanet 1947, MedGen C1864923, MONDO:0012391, OMIM 610003.
Neuronal ceroid lipofuscinosis 8 (CLN8). Also called: CLN8-Related Neuronal Ceroid-Lipofuscinosis. Identifiers: Orphanet 168491, Orphanet 228354, Orphanet 79264, MedGen C1838570, MONDO:0010830, OMIM 600143.

Allele frequency attached by ClinVar (database versions not stated): ESP Exome Variant Server 0.00038; TOPMed 0.00022; ExAC 0.00007; 1000 Genomes Project 30x 0.00031; gnomAD exomes 0.00005; gnomAD 0.00019 and 0.00020.
gnomAD v4.1: 57 of 1,614,272 alleles (0.0035%); highest among the groups gnomAD compares: African/African-American, 0.052%; no homozygotes.

Submissions (5):

Ambry Genetics
Classification: Uncertain significance for Inborn genetic diseases. Last evaluated: 2026-04-16. Review status: criteria provided, single submitter. Criteria: Ambry Variant Classification Scheme 2023. Collection method: clinical testing. Allele origin: germline.
Comment: The c.619C>G (p.L207V) alteration is located in exon 3 (coding exon 2) of the CLN8 gene. This alteration results from a C to G substitution at nucleotide position 619, causing the leucine (L) at amino acid position 207 to be replaced by a valine (V). Based on data from gnomAD, the G allele has an overall frequency of 0.007% (21/282820) total alleles studied. The highest observed frequency was 0.08% (20/24970) of African alleles. Based on insufficient or conflicting evidence, the clinical significance of this alteration remains unclear.

Labcorp Genetics (formerly Invitae), Labcorp
Classification: Uncertain significance for Neuronal ceroid lipofuscinosis. Last evaluated: 2022-09-26. Review status: criteria provided, single submitter. Criteria: Invitae Variant Classification Sherloc (09022015). Collection method: clinical testing. Allele origin: germline.
Comment: This sequence change replaces leucine, which is neutral and non-polar, with valine, which is neutral and non-polar, at codon 207 of the CLN8 protein (p.Leu207Val). This variant is present in population databases (rs151334741, gnomAD 0.07%). This variant has not been reported in the literature in individuals affected with CLN8-related conditions. ClinVar contains an entry for this variant (Variation ID: 451285). Advanced modeling of protein sequence and biophysical properties (such as structural, functional, and spatial information, amino acid conservation, physicochemical variation, residue mobility, and thermodynamic stability) performed at Invitae indicates that this missense variant is not expected to disrupt CLN8 protein function. In summary, the available evidence is currently insufficient to determine the role of this variant in disease. Therefore, it has been classified as a Variant of Uncertain Significance.

New York Genome Center
Classification: Uncertain significance for Neuronal ceroid lipofuscinosis 8 northern epilepsy variant. Last evaluated: 2022-02-25. Review status: criteria provided, single submitter. Criteria: NYGC Assertion Criteria 2020. Collection method: clinical testing. Allele origin: germline. Observed: 1 heterozygote. Study: CSER-NYCKidSeq.

GeneDx
Classification: Uncertain significance. Last evaluated: 2021-05-06. Review status: criteria provided, single submitter. Criteria: GeneDx Variant Classification Process June 2021. Collection method: clinical testing. Allele origin: germline. Affected: yes.
Comment: In silico analysis supports that this missense variant does not alter protein structure/function; Has not been previously published as pathogenic or benign to our knowledge

Natera, Inc.
Classification: Uncertain significance for Neuronal ceroid lipofuscinosis 8. Last evaluated: 2020-01-24. Review status: no assertion criteria provided. Collection method: clinical testing. Allele origin: germline. Not counted in ClinVar's aggregate classification.